The following is an entry in ClinVar:

NM_000443.4(ABCB4):c.779T>C (p.Leu260Pro)

Gene: ABCB4 (ATP binding cassette subfamily B member 4; minus strand). Cytogenetic location: 7q21.12.
Variant type: single nucleotide variant.
Coding change: c.779T>C on transcript NM_000443.4 (MANE Select); coding-DNA position 779, T replaced by C.
Protein change: p.Leu260Pro; replaces leucine 260 with proline.
Molecular consequence: missense variant.
Genome position (GRCh38, 1-based): chr7:87,450,022, A>G on the plus strand (T>C on the coding strand, the complement: ABCB4 is on the minus strand). VCF-style: chr7-87450022-A-G. GRCh37 (hg19) VCF-style: chr7-87079338-A-G.
Other names: c.779T>C (NM_000443.3); c.779T>C, p.Leu260Pro (NM_018849.3, NM_018850.3); short protein forms L260P.
Identifiers: ClinVar variation 501529 (VCV000501529.12), dbSNP rs1554409388, ClinGen allele CA368050474.

ClinVar aggregate classification (germline): Uncertain significance. Review status: criteria provided, multiple submitters, no conflicts (2 of 4 stars). 6 submissions from 5 submitters: Uncertain significance (6). Last evaluated 2026-04-14.

Conditions:
Familial intrahepatic cholestasis. Identifiers: Orphanet 284385, MedGen CN296401, MONDO:0017290.
Cholestasis, intrahepatic, of pregnancy, 3. Identifiers: Orphanet 69665, MedGen C3554241, MONDO:0013995, OMIM 614972.
Progressive familial intrahepatic cholestasis type 3. Also called: MDR3 DEFICIENCY; Low Gamma-GT Familial Intrahepatic Cholestasis. Identifiers: Orphanet 79305, MedGen C1865643, MONDO:0011214, OMIM 602347.
ABCB4-related disorder. Also called: ABCB4-related disorders; ABCB4-related condition.

Submissions (6):

Genomenon, Inc
Classification: Uncertain significance for Familial intrahepatic cholestasis. Last evaluated: 2026-04-14. Review status: criteria provided, single submitter. Criteria: Genomenon Sequence Variant Interpretation Standards - Updated. Collection method: curation. Allele origin: germline. Affected: yes.
Comment: ABCB4 p.Leu260Pro (c.779T>C) is a missense variant that changes the amino acid at residue 260 from Leucine to Proline. This variant has been observed in at least one proband with an ABCB4-related disorder (PMID:39610430). It is absent or not present at a significant frequency in gnomAD. In silico models predict that this variant is possibly or probably damaging. In conclusion, we classify ABCB4 p.Leu260Pro (c.779T>C) as a variant of uncertain significance.

PreventionGenetics, part of Exact Sciences
Classification: Uncertain significance for ABCB4-related condition. Last evaluated: 2024-12-03. Review status: criteria provided, single submitter. Criteria: ACMG Guidelines, 2015. Collection method: clinical testing. Allele origin: germline.
Comment: The ABCB4 c.779T>C variant is predicted to result in the amino acid substitution p.Leu260Pro. This variant has been reported in the homozygous state in two individuals with severe cholestasis progressing to end-stage liver disease (Quertermous et al. 2024. PubMed ID: 39610430). This variant has not been reported in a large population database (gnomAD), indicating this variant is rare. Although we suspect that this variant may be pathogenic, at this time, the clinical significance of this variant is uncertain due to the absence of conclusive functional and genetic evidence.

Baylor Genetics
Classification: Uncertain significance for Cholestasis, intrahepatic, of pregnancy, 3. Last evaluated: 2023-06-07. Review status: criteria provided, single submitter. Criteria: ACMG Guidelines, 2015. Collection method: clinical testing. Allele origin: unknown.

Baylor Genetics
Classification: Uncertain significance for Progressive familial intrahepatic cholestasis type 3. Last evaluated: 2023-06-07. Review status: criteria provided, single submitter. Criteria: ACMG Guidelines, 2015. Collection method: clinical testing. Allele origin: unknown.

Labcorp Genetics (formerly Invitae), Labcorp
Classification: Uncertain significance. Last evaluated: 2022-09-20. Review status: criteria provided, single submitter. Criteria: Invitae Variant Classification Sherloc (09022015). Collection method: clinical testing. Allele origin: germline.
Comment: In summary, the available evidence is currently insufficient to determine the role of this variant in disease. Therefore, it has been classified as a Variant of Uncertain Significance. Algorithms developed to predict the effect of missense changes on protein structure and function (SIFT, PolyPhen-2, Align-GVGD) all suggest that this variant is likely to be disruptive. ClinVar contains an entry for this variant (Variation ID: 501529). This variant has not been reported in the literature in individuals affected with ABCB4-related conditions. This variant is not present in population databases (gnomAD no frequency). This sequence change replaces leucine, which is neutral and non-polar, with proline, which is neutral and non-polar, at codon 260 of the ABCB4 protein (p.Leu260Pro).

Eurofins Ntd Llc (ga)
Classification: Uncertain significance. Last evaluated: 2017-04-18. Review status: criteria provided, single submitter. Criteria: EGL Classification Definitions 2015. Collection method: clinical testing. Allele origin: germline. Observed: 1 variant allele, 1 heterozygote.

Literature cited by the submitters: PubMed 39610430 (cited by Genomenon, Inc).